The following is an entry in ClinVar:

ClinVar aggregate classification (germline): Uncertain significance (1 of 4 stars; one submission).

Submission:

Labcorp Genetics (formerly Invitae), Labcorp
Classification: Uncertain significance. Last evaluated: 2020-11-26. Review status: criteria provided, single submitter. Criteria: Invitae Variant Classification Sherloc (09022015). Collection method: clinical testing. Allele origin: germline.
Comment: This sequence change replaces glutamic acid with lysine at codon 279 of the GLIS3 protein (p.Glu279Lys). The glutamic acid residue is moderately conserved and there is a small physicochemical difference between glutamic acid and lysine. This variant is not present in population databases (ExAC no frequency). This variant has not been reported in the literature in individuals with GLIS3-related conditions. Algorithms developed to predict the effect of missense changes on protein structure and function are either unavailable or do not agree on the potential impact of this missense change (SIFT: "Deleterious"; PolyPhen-2: "Benign"; Align-GVGD: "Class C15"). In summary, the available evidence is currently insufficient to determine the role of this variant in disease. Therefore, it has been classified as a Variant of Uncertain Significance.

NM_001042413.2(GLIS3):c.1300G>A (p.Glu434Lys)

Gene: GLIS3 (GLIS family zinc finger 3; minus strand). Cytogenetic location: 9p24.2.
Variant type: single nucleotide variant.
Coding change: c.1300G>A on transcript NM_001042413.2 (MANE Select); coding-DNA position 1300, G replaced by A.
Protein change: p.Glu434Lys; replaces glutamic acid 434 with lysine.
Molecular consequence: missense variant.
Genome position (GRCh38, 1-based): chr9:4,118,178, C>T on the plus strand (G>A on the coding strand, the complement: GLIS3 is on the minus strand). VCF-style: chr9-4118178-C-T. GRCh37 (hg19) VCF-style: chr9-4118178-C-T.
Other names: c.835G>A, p.Glu279Lys (NM_152629.4); short protein forms E434K, E279K.
Identifiers: ClinVar variation 1351553 (VCV001351553.7), dbSNP rs2130877806, ClinGen allele CA372806920.